The following is an entry in ClinVar:

NM_001943.5(DSG2):c.969A>G (p.Ile323Met)

Gene: DSG2 (desmoglein 2; plus strand). Cytogenetic location: 18q12.1.
Variant type: single nucleotide variant.
Coding change: c.969A>G on transcript NM_001943.5 (MANE Select); coding-DNA position 969, A replaced by G.
Protein change: p.Ile323Met; replaces isoleucine 323 with methionine.
Molecular consequence: missense variant.
Genome position (GRCh38, 1-based): chr18:31,524,843, A>G. VCF-style: chr18-31524843-A-G. GRCh37 (hg19) VCF-style: chr18-29104806-A-G.
Other names: short protein forms I323M.
Identifiers: ClinVar variation 3072152 (VCV003072152.1), dbSNP rs2073153884, ClinGen allele CA402135825.

ClinVar aggregate classification (germline): Uncertain significance (1 of 4 stars; one submission).

Conditions:
Arrhythmogenic right ventricular cardiomyopathy (ARVD). Also called: Arrhythmogenic right ventricular dysplasia; Cardiomyopathy, ARVC; Arrhythmogenic cardiomyopathy; Arrhythmogenic Right Ventricular Cardiomyopathy (ARVC). Identifiers: Orphanet 247, MedGen C0349788, MeSH D019571, MONDO:0016587. Disease mechanism: loss of function. Inheritance: Various modes of inheritance.

Submission:

All of Us Research Program, National Institutes of Health
Classification: Uncertain significance for Arrhythmogenic right ventricular cardiomyopathy. Last evaluated: 2023-06-26. Review status: criteria provided, single submitter. Criteria: ACMG Guidelines, 2015. Collection method: clinical testing. Allele origin: germline. Inheritance: Autosomal dominant inheritance. Observed: 1 variant allele, 1 heterozygote.
Comment: This missense variant replaces isoleucine with methionine at codon 323 of the DSG2 protein. Computational prediction suggests that this variant may not impact protein structure and function (internally defined REVEL score threshold <= 0.5, PMID: 27666373). To our knowledge, functional studies have not been reported for this variant. This variant has not been reported in individuals affected with DSG2-related disorders in the literature. This variant has not been identified in the general population by the Genome Aggregation Database (gnomAD). The available evidence is insufficient to determine the role of this variant in disease conclusively. Therefore, this variant is classified as a Variant of Uncertain Significance.

This study involves interpretation of variants in research participants for the purpose of population health screening. Participant phenotype was not available at the time of variant classification. Additional details can be found in publication PMID: 35346344, PMCID: PMC8962531